The following is an entry in ClinVar:

NM_006941.4(SOX10):c.698-52_698-42del

Genes: POLR2F (RNA polymerase II, I and III subunit F; plus strand), SOX10 (SRY-box transcription factor 10; minus strand). Cytogenetic location: 22q13.1.
Variant type: Deletion.
Coding change: c.698-52_698-42del on transcript NM_006941.4 (MANE Select); 52 bases into the intron before coding-DNA position 698 through 42 bases into the intron before coding-DNA position 698, 11 bases deleted (CTCTAACCTGC).
Molecular consequence: intron variant.
Genome position (GRCh38, 1-based): chr22:37,974,240-37,974,250, GCAGGTTAGAG deleted on the plus strand (CTCTAACCTGC on the coding strand, the reverse complement: SOX10 is on the minus strand); deleting any 11 consecutive bases within chr22:37,974,240-37,974,256 gives the same sequence; the c. name uses the placement nearest the transcript's 3' end. VCF-style (leftmost placement, unchanged base first): chr22-37974239-AGCAGGTTAGAG-A. GRCh37 (hg19) VCF-style: chr22-38370246-AGCAGGTTAGAG-A.
Other names: c.*38+1936_*38+1946del (NM_001363825.1); c.293+7076_293+7086del (NM_001301130.2, NM_001301131.2).
Identifiers: ClinVar variation 1269297 (VCV001269297.4), dbSNP rs201801866, ClinGen allele CA10228622.

ClinVar aggregate classification (germline): Benign/Likely benign. Review status: criteria provided, multiple submitters, no conflicts (2 of 4 stars). 2 submissions from 2 submitters: Benign (1); Likely benign (1). Last evaluated 2026-08-01.

Submissions (2):

CeGaT Center for Human Genetics Tuebingen
Classification: Likely benign. Last evaluated: 2026-08-01. Review status: criteria provided, single submitter. Criteria: CeGaT Center For Human Genetics Tuebingen Variant Classification Criteria Version 2. Collection method: clinical testing. Allele origin: germline. Affected: yes. Observed: 1 variant allele.
Comment: SOX10: BS1

GeneDx
Classification: Benign. Last evaluated: 2019-02-20. Review status: criteria provided, single submitter. Criteria: GeneDx Variant Classification Process June 2021. Collection method: clinical testing. Allele origin: germline. Affected: yes.
Comment: This variant is associated with the following publications: (PMID: 30936914, 17009072)